The following is an entry in ClinVar:

NM_000059.4(BRCA2):c.6259A>G (p.Arg2087Gly)

Gene: BRCA2 (BRCA2 DNA repair associated; plus strand). Cytogenetic location: 13q13.1.
Variant type: single nucleotide variant.
Coding change: c.6259A>G on transcript NM_000059.4 (MANE Select); coding-DNA position 6259, A replaced by G.
Protein change: p.Arg2087Gly; replaces arginine 2087 with glycine.
Molecular consequence: missense variant. On other transcripts: non-coding transcript variant (1), intron variant (2).
Genome position (GRCh38, 1-based): chr13:32,340,614, A>G. VCF-style: chr13-32340614-A-G. GRCh37 (hg19) VCF-style: chr13-32914751-A-G.
Other names: c.6259A>G, p.Arg2087Gly (NM_001406719.1, NM_001406720.1); c.1910-3944A>G (NM_001406721.1); c.425-3944A>G (NM_001406722.1); short protein forms R2087G.
Identifiers: ClinVar variation 2816661 (VCV002816661.4), dbSNP rs2137525740, ClinGen allele CA387788945.
Genomic context (GRCh38, chr13:32,340,614, plus strand): 5'-TCCATTTTAGAAAGTTCCTTACACAAAGTTAAGGGAGTGTTAGAGGAATTTGATTTAATC[A>G]GAACTGAGCATAGTCTTCACTATTCACCTACGTCTAGACAAAATGTATCAAAAATACTTC-3'
Protein context (NP_000050.3, residues 2077-2097): KGVLEEFDLI[Arg2087Gly]TEHSLHYSPT

ClinVar aggregate classification (germline): Uncertain significance. Review status: criteria provided, multiple submitters, no conflicts (2 of 4 stars). 2 submissions from 2 submitters: Uncertain significance (2). Last evaluated 2023-11-02.

Conditions:
Hereditary breast ovarian cancer syndrome. Also called: Hereditary breast and ovarian cancer; BRCA1- and BRCA2-Associated Hereditary Breast and Ovarian Cancer; Hereditary breast and ovarian cancer syndrome; Breast and ovarian cancer; Hereditary breast and ovarian cancer syndrome (HBOC); Hereditary breast and/or ovarian cancer syndrome. Identifiers: Orphanet 145, MedGen C0677776, MeSH D061325, MONDO:0003582. Disease mechanism: loss of function.
Hereditary cancer-predisposing syndrome. Also called: Neoplastic Syndromes, Hereditary; Tumor predisposition; Hereditary Cancer Syndrome; Hereditary neoplastic syndrome. Identifiers: Orphanet 140162, MedGen C0027672, MeSH D009386, MONDO:0015356.

Submissions (2):

Ambry Genetics
Classification: Uncertain significance for Hereditary cancer-predisposing syndrome. Last evaluated: 2023-11-02. Review status: criteria provided, single submitter. Criteria: Ambry Variant Classification Scheme 2023. Collection method: clinical testing. Allele origin: germline.
Comment: The p.R2087G variant (also known as c.6259A>G), located in coding exon 10 of the BRCA2 gene, results from an A to G substitution at nucleotide position 6259. The arginine at codon 2087 is replaced by glycine, an amino acid with dissimilar properties. This amino acid position is conserved. In addition, this alteration is predicted to be tolerated by in silico analysis. Since supporting evidence is limited at this time, the clinical significance of this alteration remains unclear.

Labcorp Genetics (formerly Invitae), Labcorp
Classification: Uncertain significance for Hereditary breast ovarian cancer syndrome. Last evaluated: 2022-12-30. Review status: criteria provided, single submitter. Criteria: Invitae Variant Classification Sherloc (09022015). Collection method: clinical testing. Allele origin: germline.
Comment: This sequence change replaces arginine, which is basic and polar, with glycine, which is neutral and non-polar, at codon 2087 of the BRCA2 protein (p.Arg2087Gly). This variant is not present in population databases (gnomAD no frequency). This variant has not been reported in the literature in individuals affected with BRCA2-related conditions. Advanced modeling of protein sequence and biophysical properties (such as structural, functional, and spatial information, amino acid conservation, physicochemical variation, residue mobility, and thermodynamic stability) performed at Invitae indicates that this missense variant is not expected to disrupt BRCA2 protein function. In summary, the available evidence is currently insufficient to determine the role of this variant in disease. Therefore, it has been classified as a Variant of Uncertain Significance.